The following is an entry in ClinVar:

NM_001372044.2(SHANK3):c.2971_2979dup (p.Pro993_Lys994insGluArgPro)

Gene: SHANK3 (SH3 and multiple ankyrin repeat domains 3; plus strand). Cytogenetic location: 22q13.33.
Variant type: Duplication.
Coding change: c.2971_2979dup on transcript NM_001372044.2 (MANE Select); coding-DNA positions 2971 to 2979, 9 bases duplicated (GAGCGACCC; older notation c.2971_2979dupGAGCGACCC).
Protein change: p.Pro993_Lys994insGluArgPro.
Molecular consequence: inframe insertion. On other transcripts: inframe indel (1).
Genome position (GRCh38, 1-based): chr22:50,720,579-50,720,587, GAGCGACCC duplicated; duplicating any 9 consecutive bases within chr22:50,720,576-50,720,587 gives the same sequence; the c. name uses the placement nearest the transcript's 3' end. VCF-style (leftmost placement, unchanged base first): chr22-50720575-G-GCCCGAGCGA. GRCh37 (hg19) VCF-style: chr22-51159003-G-GCCCGAGCGA.
Other names: c.2746_2754dup, p.Pro918_Lys919insGluArgPro (NM_033517.1).
Identifiers: ClinVar variation 2653422 (VCV002653422.24), dbSNP rs2518425644, ClinGen allele CA2695200146.
Genomic context (GRCh38, chr22:50,720,575, plus strand): 5'-CCTGCAGGACTCGGCGCCCGAGTCGGGCGACGCCCCTCGACCCCCGCCCGCGGCCACCCC[G>GCCCGAGCGA]CCCGAGCGACCCAAGCGCCGGCCGCGGCCGCCCGGCCCCGACAGCCCCTACGCCAACCTG-3'

ClinVar aggregate classification (germline): Uncertain significance (1 of 4 stars; one submission).

Submission:

CeGaT Center for Human Genetics Tuebingen
Classification: Uncertain significance. Last evaluated: 2023-03-01. Review status: criteria provided, single submitter. Criteria: CeGaT Center For Human Genetics Tuebingen Variant Classification Criteria Version 2. Collection method: clinical testing. Allele origin: germline. Affected: yes. Observed: 1 variant allele.
Comment: SHANK3: PM2, PS2:Supporting, BP5